The following is an entry in ClinVar:

NM_000548.5(TSC2):c.2265A>T (p.Glu755Asp)

Gene: TSC2 (TSC complex subunit 2; plus strand). Cytogenetic location: 16p13.3.
Variant type: single nucleotide variant.
Coding change: c.2265A>T on transcript NM_000548.5 (MANE Select); coding-DNA position 2265, A replaced by T.
Protein change: p.Glu755Asp; replaces glutamic acid 755 with aspartic acid.
Molecular consequence: missense variant. On other transcripts: non-coding transcript variant (5).
Genome position (GRCh38, 1-based): chr16:2,072,893, A>T. VCF-style: chr16-2072893-A-T. GRCh37 (hg19) VCF-style: chr16-2122894-A-T.
Other names: c.2265A>T, p.Glu755Asp (NM_001077183.3, NM_001114382.3, NM_001363528.2 and 6 more transcripts); c.2154A>T, p.Glu718Asp (NM_001318827.2, NM_001406670.1, NM_001406678.1); c.2118A>T, p.Glu706Asp (NM_001318829.2, NM_001406675.1, NM_001406676.1 and 1 more transcripts); c.1665A>T, p.Glu555Asp (NM_001318831.2, NM_001406680.1, NM_001406682.1 and 6 more transcripts); c.2298A>T, p.Glu766Asp (NM_001318832.2); c.2355A>T, p.Glu785Asp (NM_001406667.1, NM_001406668.1); c.2253A>T, p.Glu751Asp (NM_001406671.1, NM_001406673.1); c.2208A>T, p.Glu736Asp (NM_001406677.1); and 3 more; short protein forms E766D, E555D, E785D, E706D, E718D, E736D, E751D, E221D.
Identifiers: ClinVar variation 4557131 (VCV004557131.1).

ClinVar aggregate classification (germline): Uncertain significance (1 of 4 stars; one submission).

Conditions:
Hereditary cancer-predisposing syndrome. Also called: Tumor predisposition; Hereditary Cancer Syndrome; Hereditary neoplastic syndrome; Neoplastic Syndromes, Hereditary. Identifiers: Orphanet 140162, MedGen C0027672, MeSH D009386, MONDO:0015356.

Submission:

Ambry Genetics
Classification: Uncertain significance for Hereditary cancer-predisposing syndrome. Last evaluated: 2025-10-28. Review status: criteria provided, single submitter. Criteria: Ambry Variant Classification Scheme 2023. Collection method: clinical testing. Allele origin: germline.
Comment: The p.E755D variant (also known as c.2265A>T), located in coding exon 20 of the TSC2 gene, results from an A to T substitution at nucleotide position 2265. The glutamic acid at codon 755 is replaced by aspartic acid, an amino acid with highly similar properties. This amino acid position is conserved. In addition, the in silico prediction for this alteration is inconclusive. Based on the available evidence, the clinical significance of this variant remains unclear.